The following is an entry in ClinVar:

NM_144631.6(ZNF513):c.1224C>T (p.Arg408=)

Gene: ZNF513 (zinc finger protein 513; minus strand). Cytogenetic location: 2p23.3.
Variant type: single nucleotide variant.
Coding change: c.1224C>T on transcript NM_144631.6 (MANE Select); coding-DNA position 1224, C replaced by T.
Protein change: p.Arg408=; no amino-acid change (arginine 408 retained).
Molecular consequence: synonymous variant.
Genome position (GRCh38, 1-based): chr2:27,377,947, G>A on the plus strand (C>T on the coding strand, the complement: ZNF513 is on the minus strand). VCF-style: chr2-27377947-G-A. GRCh37 (hg19) VCF-style: chr2-27600814-G-A.
Other names: c.1038C>T, p.Arg346= (NM_001201459.2).
Identifiers: ClinVar variation 895647 (VCV000895647.19), dbSNP rs61995753, ClinGen allele CA1577835.

ClinVar aggregate classification (germline): Conflicting classifications of pathogenicity. Review status: criteria provided, conflicting classifications (1 of 4 stars). 3 submissions from 3 submitters: Uncertain significance (1); Benign (2). Last evaluated 2026-06-01.

Conditions:
Retinitis pigmentosa (RP). Identifiers: Orphanet 791, MedGen C0035334, MeSH D012174, MONDO:0019200, OMIM 268000. Inheritance: Autosomal dominant, autosomal recessive and X linked inheritance.

Allele frequency attached by ClinVar (database versions not stated): 1000 Genomes Project 0.00459; 1000 Genomes Project 30x 0.00484; TOPMed 0.01004; gnomAD 0.01038 and 0.01045; ESP Exome Variant Server 0.01292.
gnomAD v4.1: 21,181 of 1,613,966 alleles (1.3%); highest among the groups gnomAD compares: Middle Eastern, 3.8%; 155 homozygotes.

Submissions (3):

CeGaT Center for Human Genetics Tuebingen
Classification: Benign. Last evaluated: 2026-06-01. Review status: criteria provided, single submitter. Criteria: CeGaT Center For Human Genetics Tuebingen Variant Classification Criteria Version 2. Collection method: clinical testing. Allele origin: germline. Affected: yes. Observed: 2 variant alleles.
Comment: ZNF513: BP4, BP7, BS1, BS2

Labcorp Genetics (formerly Invitae), Labcorp
Classification: Benign. Last evaluated: 2026-02-01. Review status: criteria provided, single submitter. Criteria: Invitae Variant Classification Sherloc (09022015). Collection method: clinical testing. Allele origin: germline.

Illumina Laboratory Services, Illumina
Classification: Uncertain significance for Retinitis pigmentosa. Last evaluated: 2018-01-12. Review status: criteria provided, single submitter. Criteria: ICSL Variant Classification Criteria 13 December 2019. Collection method: clinical testing. Allele origin: germline.